The following is an entry in ClinVar:

NM_001197104.2(KMT2A):c.7657A>G (p.Ile2553Val)

Gene: KMT2A (lysine methyltransferase 2A; plus strand). Cytogenetic location: 11q23.3.
Variant type: single nucleotide variant.
Coding change: c.7657A>G on transcript NM_001197104.2 (MANE Select); coding-DNA position 7657, A replaced by G.
Protein change: p.Ile2553Val; replaces isoleucine 2553 with valine.
Molecular consequence: missense variant.
Genome position (GRCh38, 1-based): chr11:118,503,549, A>G. VCF-style: chr11-118503549-A-G. GRCh37 (hg19) VCF-style: chr11-118374264-A-G.
Other names: c.7747A>G, p.Ile2583Val (NM_001412597.1); c.7648A>G, p.Ile2550Val (NM_005933.4); short protein forms I2550V, I2583V, I2553V.
Identifiers: ClinVar variation 3634341 (VCV003634341.2).
Genomic context (GRCh38, chr11:118,503,549, plus strand): 5'-GAAAATGAGAGTCAATCCAAAAATGCCCTGAAAGAAAGTAGTCCTGCTTCCCCTTTGCAA[A>G]TAGAGTCAACATCTCCCACAGAACCAATTTCAGCCTCTGAAAATCCAGGAGATGGTCCAG-3'
Protein context (NP_001184033.1, residues 2543-2563): KESSPASPLQ[Ile2553Val]ESTSPTEPIS

ClinVar aggregate classification (germline): Uncertain significance (1 of 4 stars; one submission).

Submission:

Labcorp Genetics (formerly Invitae), Labcorp
Classification: Uncertain significance. Last evaluated: 2025-02-13. Review status: criteria provided, single submitter. Criteria: Invitae Variant Classification Sherloc (09022015). Collection method: clinical testing. Allele origin: germline.
Comment: This sequence change replaces isoleucine, which is neutral and non-polar, with valine, which is neutral and non-polar, at codon 2553 of the KMT2A protein (p.Ile2553Val). This variant is not present in population databases (gnomAD no frequency). This variant has not been reported in the literature in individuals affected with KMT2A-related conditions. Invitae Evidence Modeling of protein sequence and biophysical properties (such as structural, functional, and spatial information, amino acid conservation, physicochemical variation, residue mobility, and thermodynamic stability) indicates that this missense variant is not expected to disrupt KMT2A protein function with a negative predictive value of 95%. In summary, the available evidence is currently insufficient to determine the role of this variant in disease. Therefore, it has been classified as a Variant of Uncertain Significance.